The following is an entry in ClinVar:

ClinVar aggregate classification (germline): Pathogenic (1 of 4 stars; one submission).

Conditions:
Marfan syndrome (MFS). Also called: FBN1-Related Marfan Syndrome; MARFAN SYNDROME, TYPE I; Marfan syndrome type 1; Marfan's syndrome; Marfan syndrome, classic. Identifiers: Orphanet 284963, Orphanet 558, MedGen C0024796, MONDO:0007947, OMIM 154700.
Familial thoracic aortic aneurysm and aortic dissection (TAAD). Also called: Thoracic aortic aneurysms and dissections. Identifiers: Orphanet 91387, MedGen C4707243, MONDO:0019625.

Submission:

Labcorp Genetics (formerly Invitae), Labcorp
Classification: Pathogenic for Marfan syndrome; Familial thoracic aortic aneurysm and aortic dissection. Last evaluated: 2025-10-17. Review status: criteria provided, single submitter. Criteria: Invitae Variant Classification Sherloc (09022015). Collection method: clinical testing. Allele origin: germline.
Comment: This sequence change replaces cysteine, which is neutral and slightly polar, with serine, which is neutral and polar, at codon 67 of the FBN1 protein (p.Cys67Ser). This variant is not present in population databases (gnomAD no frequency). This missense change has been observed in individuals with Marfan syndrome (PMID: 27906200; internal data). Invitae Evidence Modeling of protein sequence and biophysical properties (such as structural, functional, and spatial information, amino acid conservation, physicochemical variation, residue mobility, and thermodynamic stability) indicates that this missense variant is expected to disrupt FBN1 protein function with a positive predictive value of 95%. This variant affects a cysteine residue in the EGF-like, TGFBP or hybrid motif domains of FBN1. Cysteine residues are believed to be involved in intramolecular disulfide bridges and have been shown to be important for FBN1 protein structure (PMID: 16905551, 19349279). In addition, missense substitutions affecting cysteine residues within these domains are significantly overrepresented among patients with Marfan syndrome (PMID: 16571647, 17701892). For these reasons, this variant has been classified as Pathogenic.

Literature cited by the submitters: PubMed 27906200; PubMed 16905551; PubMed 19349279; PubMed 16571647; PubMed 17701892.

NM_000138.5(FBN1):c.199T>A (p.Cys67Ser)

Gene: FBN1 (fibrillin 1; minus strand). Cytogenetic location: 15q21.1.
Variant type: single nucleotide variant.
Coding change: c.199T>A on transcript NM_000138.5 (MANE Select); coding-DNA position 199, T replaced by A.
Protein change: p.Cys67Ser; replaces cysteine 67 with serine.
Molecular consequence: missense variant.
Genome position (GRCh38, 1-based): chr15:48,613,058, A>T on the plus strand (T>A on the coding strand, the complement: FBN1 is on the minus strand). VCF-style: chr15-48613058-A-T. GRCh37 (hg19) VCF-style: chr15-48905255-A-T.
Other names: c.199T>A, p.Cys67Ser (NM_001406716.1, NM_001406717.1); short protein forms C67S.
Identifiers: ClinVar variation 4789677 (VCV004789677.1).